The following is an entry in ClinVar:

ClinVar aggregate classification (germline): Benign/Likely benign. Review status: criteria provided, multiple submitters, no conflicts (2 of 4 stars). 5 submissions from 5 submitters: Benign (2); Likely benign (3). Last evaluated 2026-08-01.

Allele frequency attached by ClinVar (database versions not stated): 1000 Genomes Project 0.00200; 1000 Genomes Project 30x 0.00234; gnomAD exomes 0.00450 and 0.00571; gnomAD 0.00453 and 0.00513; ExAC 0.00480; ESP Exome Variant Server 0.00523; TOPMed 0.00546.
gnomAD v4.1: 8,946 of 1,601,182 alleles (0.56%); highest among the groups gnomAD compares: Non-Finnish European, 0.68%; 29 homozygotes.

Submissions (5):

CeGaT Center for Human Genetics Tuebingen
Classification: Likely benign. Last evaluated: 2026-08-01. Review status: criteria provided, single submitter. Criteria: CeGaT Center For Human Genetics Tuebingen Variant Classification Criteria Version 2. Collection method: clinical testing. Allele origin: germline. Affected: yes. Observed: 5 variant alleles.
Comment: SEC24D: BS2

Labcorp Genetics (formerly Invitae), Labcorp
Classification: Benign. Last evaluated: 2026-01-21. Review status: criteria provided, single submitter. Criteria: Invitae Variant Classification Sherloc (09022015). Collection method: clinical testing. Allele origin: germline.

Mayo Clinic Laboratories, Mayo Clinic
Classification: Benign. Last evaluated: 2024-03-11. Review status: criteria provided, single submitter. Criteria: ACMG Guidelines, 2015. Collection method: clinical testing. Allele origin: germline. Observed: 5 variant alleles.
Comment: BS1, BS2

GeneDx
Classification: Likely benign. Last evaluated: 2020-12-17. Review status: criteria provided, single submitter. Criteria: GeneDx Variant Classification Process June 2021. Collection method: clinical testing. Allele origin: germline. Affected: yes.

Breakthrough Genomics
Classification: Likely benign. Review status: criteria provided, single submitter. Criteria: ACMG Guidelines, 2015. Collection method: not provided. Allele origin: germline. Inheritance: Autosomal recessive inheritance. Affected: yes.

NM_014822.4(SEC24D):c.248+7T>C

Gene: SEC24D (SEC24 homolog D, COPII component; minus strand). Cytogenetic location: 4q26.
Variant type: single nucleotide variant.
Coding change: c.248+7T>C on transcript NM_014822.4 (MANE Select); 7 bases into the intron after coding-DNA position 248, T replaced by C.
Molecular consequence: intron variant.
Genome position (GRCh38, 1-based): chr4:118,824,613, A>G on the plus strand (T>C on the coding strand, the complement: SEC24D is on the minus strand). VCF-style: chr4-118824613-A-G. GRCh37 (hg19) VCF-style: chr4-119745768-A-G.
Other names: p.?; c.248+7T>C (NM_001318066.2).
Identifiers: ClinVar variation 783384 (VCV000783384.47), dbSNP rs139956480, ClinGen allele CA3057601.